The following is an entry in ClinVar:

ClinVar aggregate classification (germline): Benign. Review status: criteria provided, multiple submitters, no conflicts (2 of 4 stars). 2 submissions from 2 submitters: Benign (2). Last evaluated 2026-02-03.

Conditions:
Brugada syndrome. Also called: Sudden Unexplained Death Syndrome; Sudden Unexplained Nocturnal Death Syndrome (SUNDS); Sudden unexpected nocturnal death syndrome; Sudden unexplained nocturnal death syndrome. Identifiers: Orphanet 130, MedGen C1142166, MONDO:0015263.

Allele frequency attached by ClinVar (database versions not stated): gnomAD exomes 0.00070 and 0.00191; ExAC 0.00241; gnomAD 0.00756 and 0.00807; 1000 Genomes Project 0.00799; 1000 Genomes Project 30x 0.00843; TOPMed 0.00853; ESP Exome Variant Server 0.00869.
gnomAD v4.1: 2,073 of 1,406,338 alleles (0.15%); highest among the groups gnomAD compares: African/African-American, 2.5%; 26 homozygotes.

Submissions (2):

Labcorp Genetics (formerly Invitae), Labcorp
Classification: Benign for Brugada syndrome. Last evaluated: 2026-02-03. Review status: criteria provided, single submitter. Criteria: Invitae Variant Classification Sherloc (09022015). Collection method: clinical testing. Allele origin: germline.

GeneDx
Classification: Benign. Last evaluated: 2017-03-10. Review status: criteria provided, single submitter. Criteria: GeneDx Variant Classification (06012015). Collection method: clinical testing. Allele origin: germline. Affected: yes.
Comment: This variant is considered likely benign or benign based on one or more of the following criteria: it is a conservative change, it occurs at a poorly conserved position in the protein, it is predicted to be benign by multiple in silico algorithms, and/or has population frequency not consistent with disease.

NM_000722.4(CACNA2D1):c.2205-18G>A

Gene: CACNA2D1 (calcium voltage-gated channel auxiliary subunit alpha2delta 1; minus strand). Cytogenetic location: 7q21.11.
Variant type: single nucleotide variant.
Coding change: c.2205-18G>A on transcript NM_000722.4 (MANE Select); 18 bases into the intron before coding-DNA position 2205, G replaced by A.
Molecular consequence: intron variant.
Genome position (GRCh38, 1-based): chr7:81,970,002, C>T on the plus strand (G>A on the coding strand, the complement: CACNA2D1 is on the minus strand). VCF-style: chr7-81970002-C-T. GRCh37 (hg19) VCF-style: chr7-81599318-C-T.
Other names: c.2205-18G>A (LRG_437t1); c.2241-18G>A (NM_001366867.1).
Identifiers: ClinVar variation 507185 (VCV000507185.9), dbSNP rs77599790, ClinGen allele CA4317699.